The following is an entry in ClinVar:

NM_000179.3(MSH6):c.2346C>A (p.Leu782=)

Gene: MSH6 (mutS homolog 6; plus strand). Cytogenetic location: 2p16.3.
Variant type: single nucleotide variant.
Coding change: c.2346C>A on transcript NM_000179.3 (MANE Select); coding-DNA position 2346, C replaced by A.
Protein change: p.Leu782=; no amino-acid change (leucine 782 retained).
Molecular consequence: synonymous variant.
Genome position (GRCh38, 1-based): chr2:47,800,329, C>A. VCF-style: chr2-47800329-C-A. GRCh37 (hg19) VCF-style: chr2-48027468-C-A.
Other names: c.1956C>A, p.Leu652= (NM_001281492.2); c.1440C>A, p.Leu480= (NM_001281493.2, NM_001281494.2).
Identifiers: ClinVar variation 1078117 (VCV001078117.13), dbSNP rs753238686, ClinGen allele CA426121602.

ClinVar aggregate classification (germline): Benign/Likely benign. Review status: criteria provided, multiple submitters, no conflicts (2 of 4 stars). 3 submissions from 3 submitters: Benign (1); Likely benign (2). Last evaluated 2024-12-31.

Conditions:
Hereditary nonpolyposis colorectal neoplasms. Identifiers: MedGen C0009405, MeSH D003123.
Hereditary cancer-predisposing syndrome. Also called: Tumor predisposition; Hereditary neoplastic syndrome; Neoplastic Syndromes, Hereditary; Hereditary Cancer Syndrome. Identifiers: Orphanet 140162, MedGen C0027672, MeSH D009386, MONDO:0015356.
Lynch syndrome 5 (LYNCH5). Also called: Colorectal cancer, hereditary nonpolyposis, type 5; Hereditary non-polyposis colorectal cancer, type 5. Identifiers: Orphanet 144, MedGen C1833477, MONDO:0013710, OMIM 614350. Disease mechanism: loss of function.

Submissions (3):

Myriad Genetics, Inc.
Classification: Benign for Lynch syndrome 5. Last evaluated: 2024-12-31. Review status: criteria provided, single submitter. Criteria: Myriad Autosomal Dominant, Autosomal Recessive and X-Linked Classification Criteria (2023). Collection method: clinical testing. Allele origin: unknown.
Comment: This variant is considered benign. This variant is a silent/synonymous amino acid change and it is not expected to impact splicing.

Labcorp Genetics (formerly Invitae), Labcorp
Classification: Likely benign for Hereditary nonpolyposis colorectal neoplasms. Last evaluated: 2023-03-12. Review status: criteria provided, single submitter. Criteria: Invitae Variant Classification Sherloc (09022015). Collection method: clinical testing. Allele origin: germline.

Ambry Genetics
Classification: Likely benign for Hereditary cancer-predisposing syndrome. Last evaluated: 2020-03-16. Review status: criteria provided, single submitter. Criteria: Ambry Variant Classification Scheme 2023. Collection method: clinical testing. Allele origin: germline.